The following is an entry in ClinVar:

ClinVar aggregate classification (germline): Likely benign. Review status: criteria provided, single submitter (1 of 4 stars). 2 submissions from 2 submitters: Likely benign (1). 1 of the submissions does not count toward it. Last evaluated 2026-09-01.

Allele frequency attached by ClinVar (database versions not stated): 1000 Genomes Project 0.00080; 1000 Genomes Project 30x 0.00141; TOPMed 0.00381; gnomAD 0.00419 and 0.00436; gnomAD exomes 0.00559.
gnomAD v4.1: 8,071 of 1,494,358 alleles (0.54%); highest among the groups gnomAD compares: Non-Finnish European, 0.63%; 37 homozygotes.

Submissions (2):

CeGaT Center for Human Genetics Tuebingen
Classification: Likely benign. Last evaluated: 2026-09-01. Review status: criteria provided, single submitter. Criteria: CeGaT Center For Human Genetics Tuebingen Variant Classification Criteria Version 2. Collection method: clinical testing. Allele origin: germline. Affected: yes. Observed: 21 variant alleles.
Comment: MSH6: BS2

Mayo Clinic Laboratories, Mayo Clinic
Classification: Likely benign. Review status: no assertion criteria provided. Collection method: research. Allele origin: unknown. Observed: 1 variant allele. Not counted in ClinVar's aggregate classification.

NM_000179.3(MSH6):c.3173-97T>C

Gene: MSH6 (mutS homolog 6; plus strand). Cytogenetic location: 2p16.3.
Variant type: single nucleotide variant.
Coding change: c.3173-97T>C on transcript NM_000179.3 (MANE Select); 97 bases into the intron before coding-DNA position 3173, T replaced by C.
Molecular consequence: intron variant.
Genome position (GRCh38, 1-based): chr2:47,803,323, T>C. VCF-style: chr2-47803323-T-C. GRCh37 (hg19) VCF-style: chr2-48030462-T-C.
Other names: c.2267-97T>C (NM_001281493.2, NM_001281494.2); c.2783-97T>C (NM_001281492.2).
Identifiers: ClinVar variation 218059 (VCV000218059.13), dbSNP rs138463559, ClinGen allele CA210412.